The following is an entry in ClinVar:

NM_000277.3(PAH):c.837dup (p.Glu280fs)

Gene: PAH (phenylalanine hydroxylase; minus strand). Cytogenetic location: 12q23.2.
Variant type: Duplication.
Coding change: c.837dup on transcript NM_000277.3 (MANE Select); coding-DNA position 837, one base duplicated (C; older notation c.837dupC).
Protein change: p.Glu280fs; shifts the reading frame from glutamic acid 280.
Molecular consequence: frameshift variant.
Genome position (GRCh38, 1-based): chr12:102,852,820, G duplicated on the plus strand (C on the coding strand, the reverse complement: PAH is on the minus strand); the first of 5 consecutive G bases (chr12:102,852,820-102,852,824); duplicating any one gives the same sequence. VCF-style (leftmost placement, unchanged base first): chr12-102852819-C-CG. GRCh37 (hg19) VCF-style: chr12-103246597-C-CG.
Other names: c.837dup, p.Glu280fs (NM_001354304.2); short protein forms E280fs.
Identifiers: ClinVar variation 2088359 (VCV002088359.4), dbSNP rs281865429, ClinGen allele CA2580085691.

ClinVar aggregate classification (germline): Pathogenic (1 of 4 stars; one submission).

Conditions:
Phenylketonuria (PKU). Also called: FOLLING DISEASE; Phenylketonurias; Phenylketonuria (PKU); OLIGOPHRENIA PHENYLPYRUVICA. Identifiers: Orphanet 716, MedGen C0031485, MONDO:0009861, OMIM 261600. Disease mechanism: loss of function.

Submission:

Labcorp Genetics (formerly Invitae), Labcorp
Classification: Pathogenic for Phenylketonuria. Last evaluated: 2022-03-01. Review status: criteria provided, single submitter. Criteria: Invitae Variant Classification Sherloc (09022015). Collection method: clinical testing. Allele origin: germline.
Comment: For these reasons, this variant has been classified as Pathogenic. This variant has not been reported in the literature in individuals affected with PAH-related conditions. This variant is not present in population databases (gnomAD no frequency). This sequence change creates a premature translational stop signal (p.Glu280Argfs*3) in the PAH gene. It is expected to result in an absent or disrupted protein product. Loss-of-function variants in PAH are known to be pathogenic (PMID: 1301187, 9634518).

Literature cited by the submitters: PubMed 1301187; PubMed 9634518.